The following is an entry in ClinVar:

NM_001199397.3(NEK1):c.1912-8A>C

Gene: NEK1 (NIMA related kinase 1; minus strand). Cytogenetic location: 4q33.
Variant type: single nucleotide variant.
Coding change: c.1912-8A>C on transcript NM_001199397.3 (MANE Select); 8 bases into the intron before coding-DNA position 1912, A replaced by C.
Molecular consequence: intron variant.
Genome position (GRCh38, 1-based): chr4:169,507,140, T>G on the plus strand (A>C on the coding strand, the complement: NEK1 is on the minus strand). VCF-style: chr4-169507140-T-G. GRCh37 (hg19) VCF-style: chr4-170428291-T-G.
Other names: c.1701+575A>C (NM_001374421.1); c.1777-8A>C (NM_001374420.1); c.1621-8A>C (NM_001199399.3); c.1780-8A>C (NM_001199398.3); c.1828-8A>C (NM_001374419.1, NM_012224.4); c.1696-8A>C (NM_001199400.3); c.1912-8A>C (NM_001374418.1).
Identifiers: ClinVar variation 3350170 (VCV003350170.1).
Genomic context (GRCh38, chr4:169,507,140, plus strand): 5'-CTCTTTCGTTCTAGTTGTTCTTTTAGTACAGCAGCACGTGCATTTGCATGGGCCTAAAAA[T>G]AAAAACAATTAACAAAATGAGTTACCAGAAAGAAGGGCAGAGGTTTTTTTTTTTTTTTTT-3'

ClinVar aggregate classification (germline): Likely benign (0 of 4 stars; one submission).

Conditions:
NEK1-related disorder. Also called: NEK1-related condition.

Submission:

PreventionGenetics, part of Exact Sciences
Classification: Likely benign for NEK1-related condition. Last evaluated: 2024-05-16. Review status: no assertion criteria provided. Collection method: clinical testing. Allele origin: germline.
Comment: This variant is classified as likely benign based on ACMG/AMP sequence variant interpretation guidelines (Richards et al. 2015 PMID: 25741868, with internal and published modifications).